The following is an entry in ClinVar:

ClinVar aggregate classification (germline): Uncertain significance (1 of 4 stars; one submission).

Conditions:
Lethal multiple pterygium syndrome (LMPS). Identifiers: Orphanet 33108, MedGen C1854678, MONDO:0009668, OMIM 253290.

Submission:

Labcorp Genetics (formerly Invitae), Labcorp
Classification: Uncertain significance for Lethal multiple pterygium syndrome. Last evaluated: 2022-04-17. Review status: criteria provided, single submitter. Criteria: Invitae Variant Classification Sherloc (09022015). Collection method: clinical testing. Allele origin: germline.
Comment: This sequence change replaces lysine, which is basic and polar, with arginine, which is basic and polar, at codon 296 of the CHRNA1 protein (p.Lys296Arg). This variant is not present in population databases (gnomAD no frequency). This variant has not been reported in the literature in individuals affected with CHRNA1-related conditions. Advanced modeling of protein sequence and biophysical properties (such as structural, functional, and spatial information, amino acid conservation, physicochemical variation, residue mobility, and thermodynamic stability) performed at Invitae indicates that this missense variant is not expected to disrupt CHRNA1 protein function. In summary, the available evidence is currently insufficient to determine the role of this variant in disease. Therefore, it has been classified as a Variant of Uncertain Significance.

NM_000079.4(CHRNA1):c.887A>G (p.Lys296Arg)

Gene: CHRNA1 (cholinergic receptor nicotinic alpha 1 subunit; minus strand). Cytogenetic location: 2q31.1.
Variant type: single nucleotide variant.
Coding change: c.887A>G on transcript NM_000079.4 (MANE Select); coding-DNA position 887, A replaced by G.
Protein change: p.Lys296Arg; replaces lysine 296 with arginine.
Molecular consequence: missense variant.
Genome position (GRCh38, 1-based): chr2:174,750,061, T>C on the plus strand (A>G on the coding strand, the complement: CHRNA1 is on the minus strand). VCF-style: chr2-174750061-T-C. GRCh37 (hg19) VCF-style: chr2-175614789-T-C.
Other names: c.962A>G, p.Lys321Arg (NM_001039523.3); short protein forms K321R, K296R.
Identifiers: ClinVar variation 2120503 (VCV002120503.4), dbSNP rs2468888855, ClinGen allele CA349336530.